The following is an entry in ClinVar:

ClinVar aggregate classification (germline): Uncertain significance. Review status: criteria provided, multiple submitters, no conflicts (2 of 4 stars). 2 submissions from 2 submitters: Uncertain significance (2). Last evaluated 2025-06-05.

Allele frequency attached by ClinVar (database versions not stated): gnomAD exomes 0.00004; 1000 Genomes Project 30x 0.00016; TOPMed 0.00019; gnomAD 0.00020.
gnomAD v4.1: 91 of 1,548,228 alleles (0.0059%); highest among the groups gnomAD compares: African/African-American, 0.053%; no homozygotes.

Submissions (2):

Labcorp Genetics (formerly Invitae), Labcorp
Classification: Uncertain significance. Last evaluated: 2025-06-05. Review status: criteria provided, single submitter. Criteria: Invitae Variant Classification Sherloc (09022015). Collection method: clinical testing. Allele origin: germline.
Comment: This sequence change replaces arginine, which is basic and polar, with histidine, which is basic and polar, at codon 2715 of the OTOG protein (p.Arg2715His). This variant is present in population databases (no rsID available, gnomAD 0.08%). This variant has not been reported in the literature in individuals affected with OTOG-related conditions. ClinVar contains an entry for this variant (Variation ID: 3252839). An algorithm developed to predict the effect of missense changes on protein structure and function outputs the following: PolyPhen-2: "Benign". The histidine amino acid residue is found in multiple mammalian species, which suggests that this missense change does not adversely affect protein function. In summary, the available evidence is currently insufficient to determine the role of this variant in disease. Therefore, it has been classified as a Variant of Uncertain Significance.

GeneDx
Classification: Uncertain significance. Last evaluated: 2024-04-08. Review status: criteria provided, single submitter. Criteria: GeneDx Variant Classification Process June 2021. Collection method: clinical testing. Allele origin: germline. Affected: yes.
Comment: In silico analysis indicates that this missense variant does not alter protein structure/function; Has not been previously published as pathogenic or benign to our knowledge

NM_001292063.2(OTOG):c.8108G>A (p.Arg2703His)

Gene: OTOG (otogelin; plus strand). Cytogenetic location: 11p15.1.
Variant type: single nucleotide variant.
Coding change: c.8108G>A on transcript NM_001292063.2 (MANE Select); coding-DNA position 8108, G replaced by A.
Protein change: p.Arg2703His; replaces arginine 2703 with histidine.
Molecular consequence: missense variant.
Genome position (GRCh38, 1-based): chr11:17,641,009, G>A. VCF-style: chr11-17641009-G-A. GRCh37 (hg19) VCF-style: chr11-17662556-G-A.
Other names: c.8144G>A, p.Arg2715His (NM_001277269.2); short protein forms R2703H, R2715H.
Identifiers: ClinVar variation 3252839 (VCV003252839.2), dbSNP rs867226449.